The following is an entry in ClinVar:

ClinVar aggregate classification (germline): Uncertain significance (1 of 4 stars; one submission).

Conditions:
Primary ciliary dyskinesia. Also called: Ciliary dyskinesia. Identifiers: Orphanet 244, MedGen C0008780, MONDO:0016575, HP:0012265.

Submission:

Department of Human Genetics, Hannover Medical School
Classification: Uncertain significance for Primary Ciliary Dyskinesia. Last evaluated: 2026-04-01. Review status: criteria provided, single submitter. Criteria: ACMG Guidelines, 2015. Collection method: research. Allele origin: germline. Affected: no.
Comment: Classification performed by HerediClassify using the following criteria:['PM2_supporting: Variant occures does not occur as homozygous in gnomAD.', 'PVS1_protein_strong: Transcript ENST00000556529 is not predicted to undergo NMD. Protein length change of 0.84 observed. ']

NM_001085481.3(MAP1LC3B2):c.61C>T (p.Arg21Ter)

Gene: MAP1LC3B2 (microtubule associated protein 1 light chain 3 beta 2; plus strand). Cytogenetic location: 12q24.22.
Variant type: single nucleotide variant.
Coding change: c.61C>T on transcript NM_001085481.3 (MANE Select); coding-DNA position 61, C replaced by T.
Protein change: p.Arg21Ter; replaces arginine 21 with a stop codon.
Molecular consequence: nonsense.
Genome position (GRCh38, 1-based): chr12:116,576,003, C>T. VCF-style: chr12-116576003-C-T. GRCh37 (hg19) VCF-style: chr12-117013808-C-T.
Other names: short protein forms R21*.
Identifiers: ClinVar variation 4880129 (VCV004880129.1).
Genomic context (GRCh38, chr12:116,576,003, plus strand): 5'-ATGCCGTCGGAGAAGACCTTCAAGCAGCGGCGCACCTTCGAACAAAGAGTAGAAGATGTC[C>T]GACTTATTCGAGAGCAGCATCCAACCAAAATCCCGGTGATAATAGAACGATACAAGGGTG-3'